The following is an entry in ClinVar:

NM_024675.4(PALB2):c.48+13C>A

Gene: PALB2 (partner and localizer of BRCA2; minus strand). Cytogenetic location: 16p12.2.
Variant type: single nucleotide variant.
Coding change: c.48+13C>A on transcript NM_024675.4 (MANE Select); 13 bases into the intron after coding-DNA position 48, C replaced by A.
Molecular consequence: intron variant.
Genome position (GRCh38, 1-based): chr16:23,641,097, G>T on the plus strand (C>A on the coding strand, the complement: PALB2 is on the minus strand). VCF-style: chr16-23641097-G-T. GRCh37 (hg19) VCF-style: chr16-23652418-G-T.
Identifiers: ClinVar variation 1513516 (VCV001513516.7), dbSNP rs1226428051, ClinGen allele CA621336686.
Genomic context (GRCh38, chr16:23,641,097, plus strand): 5'-CACAAAGCCAGGCCTAAAACCCTGGGAAAGCGGGGTCAGAGTCCTGCGTCCGCCCTTCCC[G>T]CACCCCCGGCACCTTTTCCTTCTCCTCACAGCTGAGGGGCTTCCCGGGAGGCTCGTCCAT-3'

ClinVar aggregate classification (germline): Uncertain significance (1 of 4 stars; one submission).

Conditions:
Familial cancer of breast. Also called: Hereditary breast cancer; hereditary breast carcinoma; BREAST CANCER, FAMILIAL. Identifiers: Orphanet 227535, MedGen C0346153, MONDO:0016419, OMIM 114480. Disease mechanism: loss of function.

Allele frequency attached by ClinVar (database versions not stated): gnomAD exomes below 0.00001.
gnomAD v4.1: 1 of 1,612,550 alleles (0.000062%); highest among the groups gnomAD compares: Non-Finnish European, 0.000085%; no homozygotes.

Submission:

Labcorp Genetics (formerly Invitae), Labcorp
Classification: Uncertain significance for Familial cancer of breast. Last evaluated: 2021-08-06. Review status: criteria provided, single submitter. Criteria: Invitae Variant Classification Sherloc (09022015). Collection method: clinical testing. Allele origin: germline.
Comment: In summary, the available evidence is currently insufficient to determine the role of this variant in disease. Therefore, it has been classified as a Variant of Uncertain Significance. Algorithms developed to predict the effect of sequence changes on RNA splicing suggest that this variant may create or strengthen a splice site. This variant has not been reported in the literature in individuals affected with PALB2-related conditions. This variant is not present in population databases (ExAC no frequency). This sequence change falls in intron 1 of the PALB2 gene. It does not directly change the encoded amino acid sequence of the PALB2 protein.